The following is an entry in ClinVar:

NM_001754.5(RUNX1):c.1309A>G (p.Thr437Ala)

Gene: RUNX1 (RUNX family transcription factor 1; minus strand). Cytogenetic location: 21q22.12.
Variant type: single nucleotide variant.
Coding change: c.1309A>G on transcript NM_001754.5 (MANE Select); coding-DNA position 1309, A replaced by G.
Protein change: p.Thr437Ala; replaces threonine 437 with alanine.
Molecular consequence: missense variant.
Genome position (GRCh38, 1-based): chr21:34,792,269, T>C on the plus strand (A>G on the coding strand, the complement: RUNX1 is on the minus strand). VCF-style: chr21-34792269-T-C. GRCh37 (hg19) VCF-style: chr21-36164566-T-C.
Other names: NM_001754.5(RUNX1):c.1309A>G; p.Thr437Ala; c.1309A>G (NM_001754.4); c.1228A>G, p.Thr410Ala (NM_001001890.3); short protein forms T437A, T410A.
Identifiers: ClinVar variation 1424427 (VCV001424427.10), dbSNP rs2145873574, ClinGen allele CA410147422.
Genomic context (GRCh38, chr21:34,792,269, plus strand): 5'-CCTCGGCCTCCACCACGTCGCTCTGGTTCGGGAGGCTGGGGTTGAGCAGCGCGGAGCCGG[T>C]GGAGGCGTTGGTGCAGGGCGGCAGGATGCGCGGCGGCGAGCGCTCGCCGCCCACCATGGA-3'
Protein context (NP_001745.2, residues 427-447): RILPPCTNAS[Thr437Ala]GSALLNPSLP

ClinVar aggregate classification (germline): Uncertain significance. Review status: reviewed by expert panel (3 of 4 stars). 3 submissions from 3 submitters: Uncertain significance (1). 2 of the submissions do not count toward it. Last evaluated 2024-07-11.

Conditions:
Inborn genetic diseases. Identifiers: MedGen C0950123, MeSH D030342.
Hereditary thrombocytopenia and hematological cancer predisposition syndrome associated with RUNX1. Also called: Familial Platelet Disorder with Propensity to Acute Myelogenous Leukemia; Familial thrombocytopenia with propensity to acute myelogenous leukemia; RUNX1 Familial Platelet Disorder with Associated Myeloid Malignancies; PLATELET DISORDER, ASPIRIN-LIKE. Identifiers: Orphanet 71290, MedGen C1832388, MeSH C563324, MONDO:0100083, OMIM 601399.
Hereditary thrombocytopenia and hematologic cancer predisposition syndrome. Identifiers: Orphanet 71290, MedGen CN281654, MONDO:0011071.

Submissions (3):

ClinGen Myeloid Malignancy Variant Curation Expert Panel
Classification: Uncertain significance for Hereditary thrombocytopenia and hematologic cancer predisposition syndrome. Last evaluated: 2024-07-11. Review status: reviewed by expert panel. Criteria: ClinGen MyeloMalig ACMG Specifications v2. Collection method: curation. Allele origin: germline. Inheritance: Autosomal dominant inheritance.
Comment: NM_001754.5(RUNX1): c.1309A>G (p.Thr437Ala) is a missense variant which has a REVEL score < 0.50 (0.154) and a SpliceAI score ≤ 0.20 (0.0) (BP4). In summary, the clinical significance of this variant is uncertain. ACMG/AMP criteria applied, as specified by the Myeloid Malignancy Variant Curation Expert Panel for RUNX1: BP4.

Ambry Genetics
Classification: Uncertain significance for Inborn genetic diseases. Last evaluated: 2025-09-02. Review status: criteria provided, single submitter. Criteria: Ambry Variant Classification Scheme 2023. Collection method: clinical testing. Allele origin: germline. Not counted in ClinVar's aggregate classification.
Comment: The p.T437A variant (also known as c.1309A>G), located in coding exon 8 of the RUNX1 gene, results from an A to G substitution at nucleotide position 1309. The threonine at codon 437 is replaced by alanine, an amino acid with similar properties. This amino acid position is highly conserved in available vertebrate species. In addition, this alteration is predicted to be tolerated by in silico analysis. Based on the available evidence, the clinical significance of this variant remains unclear.

Labcorp Genetics (formerly Invitae), Labcorp
Classification: Uncertain significance for Hereditary thrombocytopenia and hematological cancer predisposition syndrome associated with RUNX1. Last evaluated: 2022-08-23. Review status: criteria provided, single submitter. Criteria: Invitae Variant Classification Sherloc (09022015). Collection method: clinical testing. Allele origin: germline. Not counted in ClinVar's aggregate classification.
Comment: This variant is not present in population databases (gnomAD no frequency). This sequence change replaces threonine, which is neutral and polar, with alanine, which is neutral and non-polar, at codon 437 of the RUNX1 protein (p.Thr437Ala). This variant has not been reported in the literature in individuals affected with RUNX1-related conditions. In summary, the available evidence is currently insufficient to determine the role of this variant in disease. Therefore, it has been classified as a Variant of Uncertain Significance. Algorithms developed to predict the effect of missense changes on protein structure and function (SIFT, PolyPhen-2, Align-GVGD) all suggest that this variant is likely to be tolerated. ClinVar contains an entry for this variant (Variation ID: 1424427).